The following is an entry in ClinVar:

NM_181507.2(HPS5):c.108+42T>C

Gene: HPS5 (HPS5 biogenesis of lysosomal organelles complex 2 subunit 2; minus strand). Cytogenetic location: 11p15.1.
Variant type: single nucleotide variant.
Coding change: c.108+42T>C on transcript NM_181507.2 (MANE Select); 42 bases into the intron after coding-DNA position 108, T replaced by C.
Molecular consequence: intron variant.
Genome position (GRCh38, 1-based): chr11:18,317,709, A>G on the plus strand (T>C on the coding strand, the complement: HPS5 is on the minus strand). VCF-style: chr11-18317709-A-G. GRCh37 (hg19) VCF-style: chr11-18339256-A-G.
Other names: c.-124+4424T>C (NM_001440929.1); c.-235+4424T>C (NM_181508.2, NM_001440921.1); c.108+42T>C (NM_001440915.1, NM_001440931.1, NM_001440917.1 and 9 more transcripts); c.-124+4368T>C (NM_001440926.1); c.-235+4368T>C (NM_001440925.1, NM_001440920.1); c.-84+42T>C (NM_001440907.1, NM_001440918.1, NM_001440908.1); c.-124+4237T>C (NM_001440928.1, NM_001440922.1); c.-235+4237T>C (NM_001440927.1, NM_001440930.1, NM_007216.4 and 2 more transcripts); and 1 more.
Identifiers: ClinVar variation 4813951 (VCV004813951.1).

ClinVar aggregate classification (germline): Likely benign (1 of 4 stars; one submission).

gnomAD v4.1: 2,905 of 1,594,602 alleles (0.18%); highest among the groups gnomAD compares: African/African-American, 2.9%; 36 homozygotes.

Submission:

GeneDx
Classification: Likely benign. Last evaluated: 2021-05-12. Review status: criteria provided, single submitter. Criteria: GeneDx Variant Classification Process June 2021. Collection method: clinical testing. Allele origin: germline. Affected: yes.
Comment: See Variant Classification Assertion Criteria.